The following continues an entry in ClinVar:

NM_000256.3(MYBPC3):c.2308G>A (p.Asp770Asn)

Gene: MYBPC3. ClinVar aggregate classification (germline): Pathogenic/Likely pathogenic. Pathogenic (14); Likely pathogenic (4).

Submissions 10 to 23 of 23:

Women's Health and Genetics/Laboratory Corporation of America, LabCorp
Classification: Pathogenic for Primary familial hypertrophic cardiomyopathy. Last evaluated: 2021-12-15. Review status: criteria provided, single submitter. Criteria: LabCorp Variant Classification Summary - May 2015. Collection method: clinical testing. Allele origin: germline.
Comment: Variant summary: MYBPC3 c.2308G>A (p.Asp770Asn) results in a conservative amino acid change in the encoded protein sequence. Two of four in-silico tools predict a benign effect of the variant on protein function. Several computational tools predict a significant impact on normal splicing: two predict the variant abolishes a 5 prime splicing donor site; two predict the variant weakens a 5 prime donor site. At least one publication reports experimental evidence that this variant affects mRNA splicing (Helms_2014). The variant allele was found at a frequency of 2e-05 in 250492 control chromosomes. c.2308G>A has been reported in the literature in multiple individuals affected with Hypertrophic Cardiomyopathy (e.g. VanDriest_2004, Girolami_2006, Kindel_2012, Berge_2013, Helms_2014). These data indicate that the variant is very likely to be associated with disease. Ten clinical diagnostic laboratories have submitted clinical-significance assessments for this variant to ClinVar after 2014 without evidence for independent evaluation. All laboratories classified the variant as pathogenic/likely pathogenic. Based on the evidence outlined above, the variant was classified as pathogenic.

Division of Medical Genetics, University of Washington
Classification: Pathogenic for Hypertrophic cardiomyopathy 4. Last evaluated: 2020-01-31. Review status: criteria provided, single submitter. Criteria: ACMG Guidelines, 2015. Collection method: clinical testing. Allele origin: germline. Study: CSER_CHARM.
Comment: This variant has been reported in the literature in multiple individuals with hypertrophic cardiomyopathy (Van Driest 2004, Girolami 2006, Tanjore 2008, Olivotto 2008, Kindel 2012, Berge 2014, Calore 2015). This variant has an overall allele frequency of 0.000016 in the Broad Institute gnomAD Browser. In silico analyses indicate this is an evolutionarily conserved residue. This variant has also been reported in the literature to impact splicing (Helms 2014). Thus, this variant is interpreted as pathogenic. PS4-moderate; PP3

Institute of Human Genetics, University of Leipzig Medical Center
Classification: Likely pathogenic for Left ventricular noncompaction 10. Last evaluated: 2019-01-01. Review status: criteria provided, single submitter. Criteria: ACMG Guidelines, 2015. Collection method: clinical testing. Allele origin: unknown. Affected: no.

Laboratory for Molecular Medicine, Mass General Brigham Personalized Medicine
Classification: Pathogenic for Hypertrophic cardiomyopathy. Last evaluated: 2018-06-27. Review status: criteria provided, single submitter. Criteria: LMM Criteria. Collection method: clinical testing. Allele origin: germline. Inheritance: Autosomal dominant inheritance. Observed: 12 variant alleles.
Comment: The p.Asp770Asn variant in MYBPC3 has been reported in >15 individuals with HCM and segregated with disease in one affected relative (Helms 2014, Girolami 2006, McNamara 2017, Olivotto 2008, Tanjore 2008, Van Driest 2004, Walsh 2016, LMM da ta, GeneDx pers comm). It has also been identified in 4/246120 chromosomes by th e Genome Aggregation Database (gnomAD; dbSNP r s36211723). This variant is located in the last base of exon 23, which is part o f the 5? splice region and computational tools predict an impact on splicing. Ex amination of cardiac tissue from a patient with HCM who carried this variant sho wed a severe impact on splicing leading to nonsense mediated decay (Helms 2014). Heterozygous loss of function of the MYBPC3 gene is an established disease mech anism in individuals with HCM. In summary, this variant meets criteria to be cla ssified as pathogenic for HCM in an autosomal dominant manner. ACMG/AMP Criteria applied: PS4, PS3, PM2.

Fulgent Genetics
Classification: Pathogenic for Hypertrophic cardiomyopathy 4; Left ventricular noncompaction 10. Last evaluated: 2017-05-18. Review status: criteria provided, single submitter. Criteria: ACMG Guidelines, 2015. Collection method: clinical testing. Allele origin: unknown.

Center for Medical Genetics Ghent, University of Ghent
Classification: Likely pathogenic for Hypertrophic cardiomyopathy 4. Last evaluated: 2016-01-01. Review status: criteria provided, single submitter. Criteria: ACMG Guidelines, 2015. Collection method: clinical testing. Allele origin: germline. Affected: yes.

Clinical Genetics DNA and cytogenetics Diagnostics Lab, Erasmus MC, Erasmus Medical Center
Classification: Pathogenic for Hypertrophic cardiomyopathy 4. Last evaluated: 2015-09-21. Review status: criteria provided, single submitter. Criteria: ACGS Guidelines, 2013. Collection method: clinical testing. Allele origin: germline. Affected: yes. Study: VKGL Data-share Consensus.

Juno Genomics, Hangzhou Juno Genomics, Inc
Classification: Likely pathogenic for Left ventricular noncompaction 10; Hypertrophic cardiomyopathy 4. Review status: criteria provided, single submitter. Criteria: ACMG Guidelines, 2015. Collection method: clinical testing. Allele origin: germline. Affected: yes.
Comment: The prevalence of the variant in affected individuals is significantly increased compared to the prevalence in controls.;Null variant in a gene where loss of function (LOF) is a known mechanism of disease.

KTest Genetics, KTest
Classification: Likely pathogenic for Left ventricular noncompaction 10. Review status: criteria provided, single submitter. Criteria: ACMG Guidelines, 2015. Collection method: clinical testing. Allele origin: germline. Affected: yes.

Clinical Genetics, Academic Medical Center
Classification: Pathogenic. Review status: no assertion criteria provided. Collection method: clinical testing. Allele origin: germline. Affected: yes. Study: VKGL Data-share Consensus. Not counted in ClinVar's aggregate classification.

Diagnostic Laboratory, Department of Genetics, University Medical Center Groningen
Classification: Likely pathogenic for Hypertrophic cardiomyopathy 4. Review status: no assertion criteria provided. Collection method: clinical testing. Allele origin: germline. Affected: yes. Study: VKGL Data-share Consensus. Not counted in ClinVar's aggregate classification.

Genome Diagnostics Laboratory, University Medical Center Utrecht
Classification: Pathogenic. Review status: no assertion criteria provided. Collection method: clinical testing. Allele origin: germline. Affected: yes. Study: VKGL Data-share Consensus. Not counted in ClinVar's aggregate classification.

Joint Genome Diagnostic Labs from Nijmegen and Maastricht, Radboudumc and MUMC+
Classification: Pathogenic. Review status: no assertion criteria provided. Collection method: clinical testing. Allele origin: germline. Affected: yes. Study: VKGL Data-share Consensus. Not counted in ClinVar's aggregate classification.

Genetics and Genomics Program, Sidra Medicine
Classification: Uncertain significance for Hypertrophic cardiomyopathy. Review status: flagged submission. Criteria: ACMG Guidelines, 2015. Collection method: research. Allele origin: unknown. Affected: yes. Observed: 1 variant allele. Not counted in ClinVar's aggregate classification.
ClinVar note: Reason: Outlier claim with insufficient supporting evidence

Literature cited by the submitters: PubMed 15519027 (cited by 6 submitters); PubMed 18273486 (cited by 6 submitters); PubMed 18533079 (cited by 8 submitters); PubMed 22555271 (cited by 3 submitters); PubMed 24111713 (cited by 5 submitters); PubMed 25740977 (cited by Labcorp Genetics (formerly Invitae), Labcorp and Ambry Genetics); PubMed 28356264 (cited by 3 submitters); PubMed 25031304 (cited by 7 submitters); PubMed 17576681 (cited by Labcorp Genetics (formerly Invitae), Labcorp); PubMed 9536098 (cited by Labcorp Genetics (formerly Invitae), Labcorp); PubMed 27532257 (cited by 5 submitters); PubMed 28658286 (cited by 4 submitters); PubMed 30645170 (cited by Mayo Clinic Laboratories, Mayo Clinic); PubMed 31006259 (cited by Mayo Clinic Laboratories, Mayo Clinic); PubMed 32746448 (cited by Mayo Clinic Laboratories, Mayo Clinic); PubMed 33906374 (cited by Mayo Clinic Laboratories, Mayo Clinic); PubMed 34011823 (cited by Mayo Clinic Laboratories, Mayo Clinic); PubMed 34097875 (cited by Mayo Clinic Laboratories, Mayo Clinic); PubMed 34375846 (cited by Mayo Clinic Laboratories, Mayo Clinic); PubMed 34400558 (cited by Mayo Clinic Laboratories, Mayo Clinic); PubMed 34714385 (cited by Mayo Clinic Laboratories, Mayo Clinic); PubMed 35653365 (cited by Mayo Clinic Laboratories, Mayo Clinic); PubMed 37652022 (cited by Mayo Clinic Laboratories, Mayo Clinic); PubMed 16858239 (cited by 4 submitters); PubMed 23054336 (cited by 4 submitters); PubMed 24510615 (cited by Ambry Genetics and Women's Health and Genetics/Laboratory Corporation of America, LabCorp); PubMed 27483260 (cited by 3 submitters); PubMed 27688314 (cited by 3 submitters); PubMed 28138913 (cited by 3 submitters); PubMed 28679633 (cited by Ambry Genetics); PubMed 28824454 (cited by 3 submitters); PubMed 28916354 (cited by Ambry Genetics); PubMed 28971120 (cited by 3 submitters); PubMed 34137518 (cited by 3 submitters); PubMed 21415409 (cited by Women's Health and Genetics/Laboratory Corporation of America, LabCorp).